The following is an entry in ClinVar:

ClinVar aggregate classification (germline): Uncertain significance (1 of 4 stars; one submission).

Conditions:
Osteogenesis imperfecta type 8 (OI8). Identifiers: MedGen C1970458, MONDO:0012581, OMIM 610915.

Allele frequency attached by ClinVar (database versions not stated): gnomAD exomes below 0.00001; ExAC 0.00001.

Submission:

Labcorp Genetics (formerly Invitae), Labcorp
Classification: Uncertain significance for Osteogenesis imperfecta type 8. Last evaluated: 2022-03-19. Review status: criteria provided, single submitter. Criteria: Invitae Variant Classification Sherloc (09022015). Collection method: clinical testing. Allele origin: germline.
Comment: This sequence change falls in intron 11 of the P3H1 gene. It does not directly change the encoded amino acid sequence of the P3H1 protein. It affects a nucleotide within the consensus splice site. The frequency data for this variant in the population databases is considered unreliable, as metrics indicate poor data quality at this position in the gnomAD database. This variant has not been reported in the literature in individuals affected with P3H1-related conditions. Variants that disrupt the consensus splice site are a relatively common cause of aberrant splicing (PMID: 17576681, 9536098). Algorithms developed to predict the effect of sequence changes on RNA splicing suggest that this variant is not likely to affect RNA splicing. In summary, the available evidence is currently insufficient to determine the role of this variant in disease. Therefore, it has been classified as a Variant of Uncertain Significance.

Literature cited by the submitters: PubMed 17576681; PubMed 9536098.

NM_022356.4(P3H1):c.1720+3G>A

Gene: P3H1 (prolyl 3-hydroxylase 1; minus strand). Cytogenetic location: 1p34.2.
Variant type: single nucleotide variant.
Coding change: c.1720+3G>A on transcript NM_022356.4 (MANE Select); 3 bases into the intron after coding-DNA position 1720, G replaced by A.
Molecular consequence: intron variant.
Genome position (GRCh38, 1-based): chr1:42,750,183, C>T on the plus strand (G>A on the coding strand, the complement: P3H1 is on the minus strand). VCF-style: chr1-42750183-C-T. GRCh37 (hg19) VCF-style: chr1-43215854-C-T.
Other names: c.1720+3G>A (NM_001146289.2, NM_001243246.2).
Identifiers: ClinVar variation 1975420 (VCV001975420.2), dbSNP rs756588274, ClinGen allele CA801729.